The following is an entry in ClinVar:

NM_006767.4(LZTR1):c.1976T>C (p.Leu659Pro)

Gene: LZTR1 (leucine zipper like post translational regulator 1; plus strand). Cytogenetic location: 22q11.21.
Variant type: single nucleotide variant.
Coding change: c.1976T>C on transcript NM_006767.4 (MANE Select); coding-DNA position 1976, T replaced by C.
Protein change: p.Leu659Pro; replaces leucine 659 with proline.
Molecular consequence: missense variant.
Genome position (GRCh38, 1-based): chr22:20,995,779, T>C. VCF-style: chr22-20995779-T-C. GRCh37 (hg19) VCF-style: chr22-21350068-T-C.
Other names: short protein forms L659P.
Identifiers: ClinVar variation 1305460 (VCV001305460.4), dbSNP rs1924814468, ClinGen allele CA410778994.

ClinVar aggregate classification (germline): Uncertain significance. Review status: criteria provided, multiple submitters, no conflicts (2 of 4 stars). 3 submissions from 3 submitters: Uncertain significance (3). Last evaluated 2025-10-13.

Conditions:
Cardiovascular phenotype. Identifiers: MedGen CN230736.
Hereditary cancer-predisposing syndrome. Also called: Tumor predisposition; Neoplastic Syndromes, Hereditary; Hereditary Cancer Syndrome; Hereditary neoplastic syndrome. Identifiers: Orphanet 140162, MedGen C0027672, MeSH D009386, MONDO:0015356.

Allele frequency attached by ClinVar (database versions not stated): TOPMed below 0.00001.

Submissions (3):

Labcorp Genetics (formerly Invitae), Labcorp
Classification: Uncertain significance. Last evaluated: 2025-10-13. Review status: criteria provided, single submitter. Criteria: Invitae Variant Classification Sherloc (09022015). Collection method: clinical testing. Allele origin: germline.
Comment: This sequence change replaces leucine, which is neutral and non-polar, with proline, which is neutral and non-polar, at codon 659 of the LZTR1 protein (p.Leu659Pro). This variant is not present in population databases (gnomAD no frequency). This variant has not been reported in the literature in individuals affected with LZTR1-related conditions. ClinVar contains an entry for this variant (Variation ID: 1305460). Invitae Evidence Modeling of protein sequence and biophysical properties (such as structural, functional, and spatial information, amino acid conservation, physicochemical variation, residue mobility, and thermodynamic stability) indicates that this missense variant is not expected to disrupt LZTR1 protein function with a negative predictive value of 80%. In summary, the available evidence is currently insufficient to determine the role of this variant in disease. Therefore, it has been classified as a Variant of Uncertain Significance.

Ambry Genetics
Classification: Uncertain significance for Cardiovascular phenotype; Hereditary cancer-predisposing syndrome. Last evaluated: 2024-08-01. Review status: criteria provided, single submitter. Criteria: Ambry Variant Classification Scheme 2023. Collection method: clinical testing. Allele origin: germline.
Comment: The p.L659P variant (also known as c.1976T>C), located in coding exon 17 of the LZTR1 gene, results from a T to C substitution at nucleotide position 1976. The leucine at codon 659 is replaced by proline, an amino acid with similar properties. This amino acid position is conserved. In addition, this alteration is predicted to be deleterious by in silico analysis. Based on the available evidence, the clinical significance of this variant remains unclear.

GeneDx
Classification: Uncertain significance. Last evaluated: 2020-02-19. Review status: criteria provided, single submitter. Criteria: GeneDx Variant Classification Process June 2021. Collection method: clinical testing. Allele origin: germline. Affected: yes.
Comment: Not observed in large population cohorts (Lek et al., 2016); In silico analysis, which includes protein predictors and evolutionary conservation, supports a deleterious effect; Has not been previously published as pathogenic or benign to our knowledge